The following is an entry in ClinVar:

NM_006517.5(SLC16A2):c.1414del (p.Cys472fs)

Gene: SLC16A2 (solute carrier family 16 member 2; plus strand). Cytogenetic location: Xq13.2.
Variant type: Deletion.
Coding change: c.1414del on transcript NM_006517.5 (MANE Select); coding-DNA position 1414, one base deleted (T; older notation c.1414delT).
Protein change: p.Cys472fs; shifts the reading frame from cysteine 472.
Molecular consequence: frameshift variant.
Genome position (GRCh38, 1-based): chrX:74,531,347, T deleted. VCF-style (leftmost placement, unchanged base first): chrX-74531346-CT-C. GRCh37 (hg19) VCF-style: chrX-73751181-CT-C.
Other names: c.1414delT (NM_006517.4); short protein forms C472fs.
Identifiers: ClinVar variation 817071 (VCV000817071.5), dbSNP rs1602144059, ClinGen allele CA915951257.

ClinVar aggregate classification (germline): Likely pathogenic (1 of 4 stars; one submission).

Submission:

GeneDx
Classification: Likely pathogenic. Last evaluated: 2024-10-30. Review status: criteria provided, single submitter. Criteria: GeneDx Variant Classification Process June 2021. Collection method: clinical testing. Allele origin: germline. Affected: yes.
Comment: Frameshift variant predicted to result in abnormal protein length as the last 68 amino acid(s) are replaced with 20 different amino acid(s), and other similar variants have been reported in HGMD; Not observed at significant frequency in large population cohorts (gnomAD); Has not been previously published as pathogenic or benign to our knowledge